The following is an entry in ClinVar:

ClinVar aggregate classification (germline): Uncertain significance. Review status: criteria provided, multiple submitters, no conflicts (2 of 4 stars). 2 submissions from 2 submitters: Uncertain significance (2). Last evaluated 2025-11-18.

Conditions:
GREB1L-related disorder. Also called: GREB1L-related condition.

gnomAD v4.1: 120 of 1,551,992 alleles (0.0077%); highest among the groups gnomAD compares: Non-Finnish European, 0.01%; no homozygotes.

Submissions (2):

Labcorp Genetics (formerly Invitae), Labcorp
Classification: Uncertain significance. Last evaluated: 2025-11-18. Review status: criteria provided, single submitter. Criteria: Invitae Variant Classification Sherloc (09022015). Collection method: clinical testing. Allele origin: germline.
Comment: This sequence change replaces glutamine, which is neutral and polar, with arginine, which is basic and polar, at codon 1148 of the GREB1L protein (p.Gln1148Arg). This variant is present in population databases (rs747782150, gnomAD 0.005%). This variant has not been reported in the literature in individuals affected with GREB1L-related conditions. An algorithm developed to predict the effect of missense changes on protein structure and function (PolyPhen-2) suggests that this variant is likely to be tolerated. In summary, the available evidence is currently insufficient to determine the role of this variant in disease. Therefore, it has been classified as a Variant of Uncertain Significance.

PreventionGenetics, part of Exact Sciences
Classification: Uncertain significance for GREB1L-related condition. Last evaluated: 2025-01-29. Review status: criteria provided, single submitter. Criteria: ACMG Guidelines, 2015. Collection method: clinical testing. Allele origin: germline.
Comment: The GREB1L c.3443A>G variant is predicted to result in the amino acid substitution p.Gln1148Arg. To our knowledge, this variant has not been reported in the literature. This variant is reported in 0.0049% of alleles in individuals of European (Non-Finnish) descent in gnomAD. At this time, the clinical significance of this variant is uncertain due to the absence of conclusive functional and genetic evidence.

NM_001142966.3(GREB1L):c.3443A>G (p.Gln1148Arg)

Gene: GREB1L (GREB1 like retinoic acid receptor coactivator; plus strand). Cytogenetic location: 18q11.1.
Variant type: single nucleotide variant.
Coding change: c.3443A>G on transcript NM_001142966.3 (MANE Select); coding-DNA position 3443, A replaced by G.
Protein change: p.Gln1148Arg; replaces glutamine 1148 with arginine.
Molecular consequence: missense variant.
Genome position (GRCh38, 1-based): chr18:21,499,780, A>G. VCF-style: chr18-21499780-A-G. GRCh37 (hg19) VCF-style: chr18-19079741-A-G.
Other names: c.3572A>G, p.Gln1191Arg (NM_001410867.1); c.3116A>G, p.Gln1039Arg (NM_001410868.1); c.3443A>G (NM_001142966.1); short protein forms Q1039R, Q1148R, Q1191R.
Identifiers: ClinVar variation 4748451 (VCV004748451.2).